The following is an entry in ClinVar:

NM_000090.4(COL3A1):c.2797G>T (p.Gly933Ter)

Gene: COL3A1 (collagen type III alpha 1 chain; plus strand). Cytogenetic location: 2q32.2.
Variant type: single nucleotide variant.
Coding change: c.2797G>T on transcript NM_000090.4 (MANE Select); coding-DNA position 2797, G replaced by T.
Protein change: p.Gly933Ter; replaces glycine 933 with a stop codon.
Molecular consequence: nonsense.
Genome position (GRCh38, 1-based): chr2:189,004,117, G>T. VCF-style: chr2-189004117-G-T. GRCh37 (hg19) VCF-style: chr2-189868843-G-T.
Other names: short protein forms G933*.
Identifiers: ClinVar variation 2574099 (VCV002574099.1), dbSNP rs1688532582, ClinGen allele CA349844227.

ClinVar aggregate classification (germline): Likely pathogenic (0 of 4 stars; one submission).

Conditions:
Ehlers-Danlos syndrome, type 4 (EDSVASC). Also called: Ehlers-Danlos syndrome vascular type; Ehlers Danlos syndrome, ecchymotic type; Ehlers Danlos syndrome, arterial type; Ehlers Danlos syndrome, Sack-Barabas type; Ehlers-Danlos Syndrome Type IV. Identifiers: Orphanet 286, MedGen C0268338, MONDO:0017314, OMIM 130050.

Submission:

deCODE genetics, Amgen
Classification: Likely pathogenic for Ehlers-Danlos syndrome, type 4. Last evaluated: 2023-07-21. Review status: no assertion criteria provided. Collection method: research. Allele origin: germline. Affected: yes. Observed: 2 variant alleles.
Comment: The variant NM_000090.4:c.2797G>T (chr2:189004117) in COL3A1 was detected in 2 heterozygotes out of 58K WGS Icelanders (MAF= 0,002%). This variant has not been reported in ClinVar previously. Based on ACMG criteria (PVS1, PM2) this variant classifies as likely pathogenic.